The following is an entry in ClinVar:

NC_000014.8:g.(?_50768715)_(50778868_?)dup

Gene: L2HGDH (L-2-hydroxyglutarate dehydrogenase; minus strand). Cytogenetic location: 14q21.3.
Variant type: Duplication.
Identifiers: ClinVar variation 1412479 (VCV001412479.4).

ClinVar aggregate classification (germline): Uncertain significance (1 of 4 stars; one submission).

Conditions:
L-2-hydroxyglutaric aciduria (L2HGA). Identifiers: Orphanet 79314, MedGen C1855995, MONDO:0009370, OMIM 236792, HP:0040144.

Submission:

Labcorp Genetics (formerly Invitae), Labcorp
Classification: Uncertain significance for L-2-hydroxyglutaric aciduria. Last evaluated: 2022-08-16. Review status: criteria provided, single submitter. Criteria: Invitae Variant Classification Sherloc (09022015). Collection method: clinical testing. Allele origin: germline.
Comment: This variant results in a copy number gain of the genomic region encompassing exon(s) 1-3 of the L2HGDH gene. This region includes the initiator codon of the gene. This copy number gain extends beyond the assayed region for this gene and therefore may encompass additional genes. As the precise location of this event is unknown, it may be in tandem or it may be located elsewhere in the genome. This variant has not been reported in the literature in individuals affected with L2HGDH-related conditions. In summary, the available evidence is currently insufficient to determine the role of this variant in disease. Therefore, it has been classified as a Variant of Uncertain Significance.